The following is an entry in ClinVar:

ClinVar aggregate classification (germline): Uncertain significance. Review status: criteria provided, multiple submitters, no conflicts (2 of 4 stars). 2 submissions from 2 submitters: Uncertain significance (2). Last evaluated 2022-07-12.

Conditions:
Inborn genetic diseases. Identifiers: MedGen C0950123, MeSH D030342.

Allele frequency attached by ClinVar (database versions not stated): gnomAD exomes below 0.00001.
gnomAD v4.1: 6 of 1,613,936 alleles (0.00037%); highest among the groups gnomAD compares: Admixed American, 0.0017%; no homozygotes.

Submissions (2):

Labcorp Genetics (formerly Invitae), Labcorp
Classification: Uncertain significance. Last evaluated: 2022-07-12. Review status: criteria provided, single submitter. Criteria: Invitae Variant Classification Sherloc (09022015). Collection method: clinical testing. Allele origin: germline.
Comment: This variant is present in population databases (no rsID available, gnomAD 0.007%). This sequence change replaces arginine, which is basic and polar, with glutamine, which is neutral and polar, at codon 531 of the MYO5B protein (p.Arg531Gln). This variant has not been reported in the literature in individuals affected with MYO5B-related conditions. ClinVar contains an entry for this variant (Variation ID: 1486507). Algorithms developed to predict the effect of missense changes on protein structure and function (SIFT, PolyPhen-2, Align-GVGD) all suggest that this variant is likely to be tolerated. In summary, the available evidence is currently insufficient to determine the role of this variant in disease. Therefore, it has been classified as a Variant of Uncertain Significance.

Ambry Genetics
Classification: Uncertain significance for Inborn genetic diseases. Last evaluated: 2021-09-17. Review status: criteria provided, single submitter. Criteria: Ambry Variant Classification Scheme 2023. Collection method: clinical testing. Allele origin: germline.

NM_001080467.3(MYO5B):c.1592G>A (p.Arg531Gln)

Gene: MYO5B (myosin VB; minus strand). Cytogenetic location: 18q21.1.
Variant type: single nucleotide variant.
Coding change: c.1592G>A on transcript NM_001080467.3 (MANE Select); coding-DNA position 1592, G replaced by A.
Protein change: p.Arg531Gln; replaces arginine 531 with glutamine.
Molecular consequence: missense variant.
Genome position (GRCh38, 1-based): chr18:49,954,389, C>T on the plus strand (G>A on the coding strand, the complement: MYO5B is on the minus strand). VCF-style: chr18-49954389-C-T. GRCh37 (hg19) VCF-style: chr18-47480759-C-T.
Other names: c.1592G>A (NM_001080467.2); short protein forms R531Q.
Identifiers: ClinVar variation 1486507 (VCV001486507.6), dbSNP rs1457490762, ClinGen allele CA402429273.